The following is an entry in ClinVar:

NM_152726.3(MICU2):c.139G>C (p.Ala47Pro)

Gene: MICU2 (mitochondrial calcium uptake 2; minus strand). Cytogenetic location: 13q12.11.
Variant type: single nucleotide variant.
Coding change: c.139G>C on transcript NM_152726.3 (MANE Select); coding-DNA position 139, G replaced by C.
Protein change: p.Ala47Pro; replaces alanine 47 with proline.
Molecular consequence: missense variant.
Genome position (GRCh38, 1-based): chr13:21,604,010, C>G on the plus strand (G>C on the coding strand, the complement: MICU2 is on the minus strand). VCF-style: chr13-21604010-C-G. GRCh37 (hg19) VCF-style: chr13-22178149-C-G.
Other names: short protein forms A47P.
Identifiers: ClinVar variation 3034248 (VCV003034248.2), dbSNP rs139931343, ClinGen allele CA6909327.

ClinVar aggregate classification (germline): Likely benign (0 of 4 stars; one submission).

Conditions:
MICU2-related disorder. Also called: MICU2-related condition; MICU2-Related Disorders.

Allele frequency attached by ClinVar (database versions not stated): gnomAD exomes 0.00007; ExAC 0.00022; 1000 Genomes Project 0.00080; gnomAD 0.00086; TOPMed 0.00100; 1000 Genomes Project 30x 0.00109; ESP Exome Variant Server 0.00109.

Submission:

PreventionGenetics, part of Exact Sciences
Classification: Likely benign for MICU2-related condition. Last evaluated: 2023-04-20. Review status: no assertion criteria provided. Collection method: clinical testing. Allele origin: germline.
Comment: This variant is classified as likely benign based on ACMG/AMP sequence variant interpretation guidelines (Richards et al. 2015 PMID: 25741868, with internal and published modifications).